The following is an entry in ClinVar:

NM_003036.4(SKI):c.160G>A (p.Glu54Lys)

Gene: SKI (SKI proto-oncogene; plus strand). Cytogenetic location: 1p36.33.
Variant type: single nucleotide variant.
Coding change: c.160G>A on transcript NM_003036.4 (MANE Select); coding-DNA position 160, G replaced by A.
Protein change: p.Glu54Lys; replaces glutamic acid 54 with lysine.
Molecular consequence: missense variant.
Genome position (GRCh38, 1-based): chr1:2,228,926, G>A. VCF-style: chr1-2228926-G-A. GRCh37 (hg19) VCF-style: chr1-2160365-G-A.
Other names: short protein forms E54K.
Identifiers: ClinVar variation 1948834 (VCV001948834.5), dbSNP rs2527575988, ClinGen allele CA337952219.

ClinVar aggregate classification (germline): Uncertain significance (1 of 4 stars; one submission).

Conditions:
Shprintzen-Goldberg syndrome (SGS). Also called: SHPRINTZEN-GOLDBERG CRANIOSYNOSTOSIS SYNDROME; CRANIOSYNOSTOSIS WITH ARACHNODACTYLY AND ABDOMINAL HERNIAS; Marfanoid disorder with craniosynostosis type 1; Marfanoid craniosynostosis syndrome; Shprintzen-Goldberg marfanoid syndrome. Identifiers: Orphanet 2462, MedGen C1321551, MONDO:0008426, OMIM 182212.

Allele frequency attached by ClinVar (database versions not stated): gnomAD exomes below 0.00001.
gnomAD v4.1: 1 of 1,389,284 alleles (0.000072%); highest among the groups gnomAD compares: Non-Finnish European, 0.000094%; no homozygotes.

Submission:

Labcorp Genetics (formerly Invitae), Labcorp
Classification: Uncertain significance for Shprintzen-Goldberg syndrome. Last evaluated: 2023-02-01. Review status: criteria provided, single submitter. Criteria: Invitae Variant Classification Sherloc (09022015). Collection method: clinical testing. Allele origin: germline.
Comment: This sequence change replaces glutamic acid, which is acidic and polar, with lysine, which is basic and polar, at codon 54 of the SKI protein (p.Glu54Lys). This variant is not present in population databases (gnomAD no frequency). This variant has not been reported in the literature in individuals affected with SKI-related conditions. Advanced modeling of protein sequence and biophysical properties (such as structural, functional, and spatial information, amino acid conservation, physicochemical variation, residue mobility, and thermodynamic stability) performed at Invitae indicates that this missense variant is not expected to disrupt SKI protein function. In summary, the available evidence is currently insufficient to determine the role of this variant in disease. Therefore, it has been classified as a Variant of Uncertain Significance.